The following is an entry in ClinVar:

NM_000548.5(TSC2):c.362C>A (p.Ala121Asp)

Gene: TSC2 (TSC complex subunit 2; plus strand). Cytogenetic location: 16p13.3.
Variant type: single nucleotide variant.
Coding change: c.362C>A on transcript NM_000548.5 (MANE Select); coding-DNA position 362, C replaced by A.
Protein change: p.Ala121Asp; replaces alanine 121 with aspartic acid.
Molecular consequence: missense variant. On other transcripts: intron variant (1).
Genome position (GRCh38, 1-based): chr16:2,054,321, C>A. VCF-style: chr16-2054321-C-A. GRCh37 (hg19) VCF-style: chr16-2104322-C-A.
Other names: c.362C>A, p.Ala121Asp (NM_001077183.3, NM_001114382.3, NM_001363528.2 and 8 more transcripts); c.251C>A, p.Ala84Asp (NM_001318827.2, NM_001406670.1, NM_001406678.1); c.215C>A, p.Ala72Asp (NM_001318829.2, NM_001406675.1, NM_001406676.1 and 1 more transcripts); c.395C>A, p.Ala132Asp (NM_001318832.2); c.452C>A, p.Ala151Asp (NM_001406667.1, NM_001406668.1); c.305C>A, p.Ala102Asp (NM_001406677.1); c.-455C>A (NM_001406680.1, NM_001406683.1, NM_001406687.1); c.-84C>A (NM_001406681.1); and 6 more; short protein forms A121D, A132D, A102D, A84D, A72D, A151D.
Identifiers: ClinVar variation 2123074 (VCV002123074.4), dbSNP rs767755750, ClinGen allele CA394306622.

ClinVar aggregate classification (germline): Uncertain significance (1 of 4 stars; one submission).

Conditions:
Tuberous sclerosis 2 (TSC2). Identifiers: Orphanet 805, MedGen C1860707, MONDO:0013199, OMIM 613254.

gnomAD v4.1: 2 of 1,614,158 alleles (0.00012%); highest among the groups gnomAD compares: Admixed American, 0.0017%; no homozygotes.

Submission:

Labcorp Genetics (formerly Invitae), Labcorp
Classification: Uncertain significance for Tuberous sclerosis 2. Last evaluated: 2022-04-08. Review status: criteria provided, single submitter. Criteria: Invitae Variant Classification Sherloc (09022015). Collection method: clinical testing. Allele origin: germline.
Comment: This sequence change replaces alanine, which is neutral and non-polar, with aspartic acid, which is acidic and polar, at codon 121 of the TSC2 protein (p.Ala121Asp). This variant is not present in population databases (gnomAD no frequency). This variant has not been reported in the literature in individuals affected with TSC2-related conditions. Advanced modeling of protein sequence and biophysical properties (such as structural, functional, and spatial information, amino acid conservation, physicochemical variation, residue mobility, and thermodynamic stability) performed at Invitae indicates that this missense variant is not expected to disrupt TSC2 protein function. In summary, the available evidence is currently insufficient to determine the role of this variant in disease. Therefore, it has been classified as a Variant of Uncertain Significance.